The following is an entry in ClinVar:

ClinVar aggregate classification (germline): Uncertain significance (1 of 4 stars; one submission).

Submission:

CeGaT Center for Human Genetics Tuebingen
Classification: Uncertain significance. Last evaluated: 2025-10-01. Review status: criteria provided, single submitter. Criteria: CeGaT Center For Human Genetics Tuebingen Variant Classification Criteria Version 2. Collection method: clinical testing. Allele origin: germline. Affected: yes. Observed: 1 variant allele.
Comment: TTC21B: PM2:Supporting, BP4

NM_024753.5(TTC21B):c.3297G>C (p.Leu1099=)

Gene: TTC21B (tetratricopeptide repeat domain 21B; minus strand). Cytogenetic location: 2q24.3.
Variant type: single nucleotide variant.
Coding change: c.3297G>C on transcript NM_024753.5 (MANE Select); coding-DNA position 3297, G replaced by C.
Protein change: p.Leu1099=; no amino-acid change (leucine 1099 retained).
Molecular consequence: synonymous variant.
Genome position (GRCh38, 1-based): chr2:165,888,441, C>G on the plus strand (G>C on the coding strand, the complement: TTC21B is on the minus strand). VCF-style: chr2-165888441-C-G. GRCh37 (hg19) VCF-style: chr2-166744951-C-G.
Identifiers: ClinVar variation 4534852 (VCV004534852.6).